The following is an entry in ClinVar:

NM_147127.5(EVC2):c.3859G>A (p.Val1287Ile)

Gene: EVC2 (EvC ciliary complex subunit 2; minus strand). Cytogenetic location: 4p16.2.
Variant type: single nucleotide variant.
Coding change: c.3859G>A on transcript NM_147127.5 (MANE Select); coding-DNA position 3859, G replaced by A.
Protein change: p.Val1287Ile; replaces valine 1287 with isoleucine.
Molecular consequence: missense variant.
Genome position (GRCh38, 1-based): chr4:5,562,916, C>T on the plus strand (G>A on the coding strand, the complement: EVC2 is on the minus strand). VCF-style: chr4-5562916-C-T. GRCh37 (hg19) VCF-style: chr4-5564643-C-T.
Other names: c.3619G>A, p.Val1207Ile (NM_001166136.2); short protein forms V1287I, V1207I.
Identifiers: ClinVar variation 546568 (VCV000546568.19), dbSNP rs771435248, ClinGen allele CA2834168.
Genomic context (GRCh38, chr4:5,562,916, plus strand): 5'-TGCCCAAGGCCCTCATGGCCTTTTTGGCATTCAAAAAGTTCTTCTTTTTCCTGGGAGGAA[C>T]GTGCAGTGAGATCTCTGGCTCCTTTGGATTTCTGAATATAAAGAGCTTCTCTCCTGTGTT-3'
Protein context (NP_667338.3, residues 1277-1297): NPKEPEISLH[Val1287Ile]PPRKKKNFLN

ClinVar aggregate classification (germline): Conflicting classifications of pathogenicity. Review status: criteria provided, conflicting classifications (1 of 4 stars). 4 submissions from 4 submitters: Uncertain significance (2); Likely benign (2). Last evaluated 2025-12-08.

Conditions:
Ellis-van Creveld syndrome (EVC). Also called: MESOECTODERMAL DYSPLASIA; Chondroectodermal dysplasia. Identifiers: Orphanet 289, MedGen C0013903, MONDO:0009162, OMIM 225500.
Curry-Hall syndrome (WAD). Also called: WEYERS ACRODENTAL DYSOSTOSIS. Identifiers: Orphanet 952, MedGen C0457013, MONDO:0008673, OMIM 193530.
Inborn genetic diseases. Identifiers: MedGen C0950123, MeSH D030342.

Allele frequency attached by ClinVar (database versions not stated): TOPMed below 0.00001; gnomAD 0.00002; ExAC 0.00005; gnomAD exomes 0.00006.
gnomAD v4.1: 87 of 1,614,026 alleles (0.0054%); highest among the groups gnomAD compares: Middle Eastern, 0.33%; no homozygotes.

Submissions (4):

Labcorp Genetics (formerly Invitae), Labcorp
Classification: Likely benign for Curry-Hall syndrome; Ellis-van Creveld syndrome. Last evaluated: 2025-12-08. Review status: criteria provided, single submitter. Criteria: Invitae Variant Classification Sherloc (09022015). Collection method: clinical testing. Allele origin: germline.

Ambry Genetics
Classification: Uncertain significance for Inborn genetic diseases. Last evaluated: 2024-07-22. Review status: criteria provided, single submitter. Criteria: Ambry Variant Classification Scheme 2023. Collection method: clinical testing. Allele origin: germline.

Blueprint Genetics
Classification: Likely benign. Last evaluated: 2024-04-03. Review status: criteria provided, single submitter. Criteria: ACMG Guidelines, 2015. Collection method: clinical testing. Allele origin: germline.

GeneDx
Classification: Uncertain significance. Last evaluated: 2024-02-27. Review status: criteria provided, single submitter. Criteria: GeneDx Variant Classification Process June 2021. Collection method: clinical testing. Allele origin: germline. Affected: yes.
Comment: In silico analysis supports that this missense variant does not alter protein structure/function; Has not been previously published as pathogenic or benign to our knowledge